The following is an entry in ClinVar:

ClinVar aggregate classification (germline): Uncertain significance (1 of 4 stars; one submission).

Allele frequency attached by ClinVar (database versions not stated): gnomAD 0.00001; gnomAD exomes 0.00002; ExAC 0.00003; 1000 Genomes Project 30x 0.00016; 1000 Genomes Project 0.00020.
gnomAD v4.1: 31 of 1,612,676 alleles (0.0019%); highest among the groups gnomAD compares: Middle Eastern, 0.083%; no homozygotes.

Submission:

Labcorp Genetics (formerly Invitae), Labcorp
Classification: Uncertain significance. Last evaluated: 2023-10-22. Review status: criteria provided, single submitter. Criteria: Invitae Variant Classification Sherloc (09022015). Collection method: clinical testing. Allele origin: germline.
Comment: This sequence change replaces glutamic acid, which is acidic and polar, with lysine, which is basic and polar, at codon 1552 of the LAMC3 protein (p.Glu1552Lys). This variant is present in population databases (rs567668240, gnomAD 0.006%). This variant has not been reported in the literature in individuals affected with LAMC3-related conditions. ClinVar contains an entry for this variant (Variation ID: 1950331). An algorithm developed to predict the effect of missense changes on protein structure and function (PolyPhen-2) suggests that this variant is likely to be disruptive. In summary, the available evidence is currently insufficient to determine the role of this variant in disease. Therefore, it has been classified as a Variant of Uncertain Significance.

NM_006059.4(LAMC3):c.4654G>A (p.Glu1552Lys)

Gene: LAMC3 (laminin subunit gamma 3; plus strand). Cytogenetic location: 9q34.12.
Variant type: single nucleotide variant.
Coding change: c.4654G>A on transcript NM_006059.4 (MANE Select); coding-DNA position 4654, G replaced by A.
Protein change: p.Glu1552Lys; replaces glutamic acid 1552 with lysine.
Molecular consequence: missense variant.
Genome position (GRCh38, 1-based): chr9:131,091,713, G>A. VCF-style: chr9-131091713-G-A. GRCh37 (hg19) VCF-style: chr9-133967100-G-A.
Other names: short protein forms E1552K.
Identifiers: ClinVar variation 1950331 (VCV001950331.3), dbSNP rs567668240, ClinGen allele CA5288242.